The following is an entry in ClinVar:

ClinVar aggregate classification (germline): Benign. Review status: criteria provided, multiple submitters, no conflicts (2 of 4 stars). 3 submissions from 3 submitters: Benign (3). Last evaluated 2026-02-03.

Allele frequency attached by ClinVar (database versions not stated): ESP Exome Variant Server 0.00169; 1000 Genomes Project 0.00180; 1000 Genomes Project 30x 0.00203; gnomAD 0.00210 and 0.00215; ExAC 0.00218; TOPMed 0.00218; gnomAD exomes 0.00253 and 0.00295.
gnomAD v4.1: 4,703 of 1,614,154 alleles (0.29%); highest among the groups gnomAD compares: Middle Eastern, 3.5%; 16 homozygotes.

Submissions (3):

Labcorp Genetics (formerly Invitae), Labcorp
Classification: Benign. Last evaluated: 2026-02-03. Review status: criteria provided, single submitter. Criteria: Invitae Variant Classification Sherloc (09022015). Collection method: clinical testing. Allele origin: germline.

CeGaT Center for Human Genetics Tuebingen
Classification: Benign. Last evaluated: 2022-09-01. Review status: criteria provided, single submitter. Criteria: CeGaT Center For Human Genetics Tuebingen Variant Classification Criteria Version 2. Collection method: clinical testing. Allele origin: germline. Affected: yes. Observed: 1 variant allele.
Comment: SIAE: BS1, BS2

Breakthrough Genomics
Classification: Benign. Review status: criteria provided, single submitter. Criteria: ACMG Guidelines, 2015. Collection method: not provided. Allele origin: germline. Inheritance: Unknown mechanism. Affected: yes.

NM_170601.5(SIAE):c.573C>T (p.Tyr191=)

Gene: SIAE (sialic acid acetylesterase; minus strand). Cytogenetic location: 11q24.2.
Variant type: single nucleotide variant.
Coding change: c.573C>T on transcript NM_170601.5 (MANE Select); coding-DNA position 573, C replaced by T.
Protein change: p.Tyr191=; no amino-acid change (tyrosine 191 retained).
Molecular consequence: synonymous variant.
Genome position (GRCh38, 1-based): chr11:124,649,768, G>A on the plus strand (C>T on the coding strand, the complement: SIAE is on the minus strand). VCF-style: chr11-124649768-G-A. GRCh37 (hg19) VCF-style: chr11-124519664-G-A.
Other names: c.468C>T, p.Tyr156= (NM_001199922.2).
Identifiers: ClinVar variation 1170742 (VCV001170742.34), dbSNP rs77575510, ClinGen allele CA6341468.